The following is an entry in ClinVar:

NM_001166114.2(PNPLA6):c.913C>T (p.Arg305Trp)

Gene: PNPLA6 (patatin like domain 6, lysophospholipase; plus strand). Cytogenetic location: 19p13.2.
Variant type: single nucleotide variant.
Coding change: c.913C>T on transcript NM_001166114.2 (MANE Select); coding-DNA position 913, C replaced by T.
Protein change: p.Arg305Trp; replaces arginine 305 with tryptophan.
Molecular consequence: missense variant.
Genome position (GRCh38, 1-based): chr19:7,541,040, C>T. VCF-style: chr19-7541040-C-T. GRCh37 (hg19) VCF-style: chr19-7605926-C-T.
Other names: c.940C>T, p.Arg314Trp (NM_001166111.2); c.796C>T, p.Arg266Trp (NM_001166112.2, NM_001166113.1, NM_006702.5); short protein forms R266W, R305W, R314W.
Identifiers: ClinVar variation 1047508 (VCV001047508.10), dbSNP rs866964055, ClinGen allele CA304864234.
Genomic context (GRCh38, chr19:7,541,040, plus strand): 5'-CTGCGCCTGCCGGTGGAAGCATTCTCCGCGGTCTTCACCAAGTACCCGGAGAGCTTGGTG[C>T]GGGTCGTGCAGGTCAGTGGGCCTTCGCCTCCTGTCACCCCCTGAGGGACCCCACCCTGGC-3'
Protein context (NP_001159586.1, residues 295-315): VFTKYPESLV[Arg305Trp]VVQIIMVRLQ

ClinVar aggregate classification (germline): Likely pathogenic (1 of 4 stars; one submission).

Conditions:
Hereditary spastic paraplegia 39 (SPG39). Also called: Spastic Paraplegia Type 39 (SPG39); SPASTIC PARAPLEGIA 39, AUTOSOMAL RECESSIVE. Identifiers: Orphanet 139480, MedGen C2677586, MONDO:0012787, OMIM 612020.

Submission:

Labcorp Genetics (formerly Invitae), Labcorp
Classification: Likely pathogenic for Hereditary spastic paraplegia 39. Last evaluated: 2022-08-15. Review status: criteria provided, single submitter. Criteria: Invitae Variant Classification Sherloc (09022015). Collection method: clinical testing. Allele origin: germline.
Comment: This missense change has been observed in individual(s) with clinical features of PNPLA6-related conditions (PMID: 33210227; Invitae). In at least one individual the data is consistent with being in trans (on the opposite chromosome) from a pathogenic variant. It has also been observed to segregate with disease in related individuals. In summary, the currently available evidence indicates that the variant is pathogenic, but additional data are needed to prove that conclusively. Therefore, this variant has been classified as Likely Pathogenic. Algorithms developed to predict the effect of missense changes on protein structure and function are either unavailable or do not agree on the potential impact of this missense change (SIFT: "Deleterious"; PolyPhen-2: "Probably Damaging"; Align-GVGD: "Class C0"). ClinVar contains an entry for this variant (Variation ID: 1047508). This variant is also known as c.940C>T. This variant is not present in population databases (gnomAD no frequency). This sequence change replaces arginine, which is basic and polar, with tryptophan, which is neutral and slightly polar, at codon 266 of the PNPLA6 protein (p.Arg266Trp).

Literature cited by the submitters: PubMed 33210227.